The following is an entry in ClinVar:

NM_000168.6(GLI3):c.4099del (p.Ala1367fs)

Gene: GLI3 (GLI family zinc finger 3; minus strand). Cytogenetic location: 7p14.1.
Variant type: Deletion.
Coding change: c.4099del on transcript NM_000168.6 (MANE Select); coding-DNA position 4099, one base deleted (G; older notation c.4099delG).
Protein change: p.Ala1367fs; shifts the reading frame from alanine 1367.
Molecular consequence: frameshift variant.
Genome position (GRCh38, 1-based): chr7:41,964,974, C deleted on the plus strand (G on the coding strand, the reverse complement: GLI3 is on the minus strand); the first of 4 consecutive C bases (chr7:41,964,974-41,964,977); deleting any one gives the same sequence. VCF-style (leftmost placement, unchanged base first): chr7-41964973-GC-G. GRCh37 (hg19) VCF-style: chr7-42004571-GC-G.
Other names: short protein forms A1367fs.
Identifiers: ClinVar variation 4796531 (VCV004796531.1).
Genomic context (GRCh38, chr7:41,964,973, plus strand): 5'-GCACATGGCTGGTAGCCCCTGACAACTGCCAAGCTTGACGGCTGGCTGCCCATGCCGTGA[GC>G]CCCTGGCAGGCAGCTCTCTGGCCCTTGGTAGATGTTGATGTGTGAGGTAGCACTAATCTG-3'

ClinVar aggregate classification (germline): Likely pathogenic (1 of 4 stars; one submission).

Conditions:
Greig cephalopolysyndactyly syndrome (GCPS). Also called: POLYSYNDACTYLY WITH PECULIAR SKULL SHAPE; Greig syndrome; GLI3-Related Greig Cephalopolysyndactyly Syndrome. Identifiers: Orphanet 380, MedGen C0265306, MONDO:0008287, OMIM 175700.

Submission:

Juno Genomics, Hangzhou Juno Genomics, Inc
Classification: Likely pathogenic for Greig cephalopolysyndactyly syndrome. Review status: criteria provided, single submitter. Criteria: ACMG Guidelines, 2015. Collection method: clinical testing. Allele origin: germline. Affected: yes.
Comment: Absent from controls (or at extremely low frequency if recessive) in Genome Aggregation Database, Exome Sequencing Project, 1000 Genomes Project, or Exome Aggregation Consortium.;Null variant in a gene where loss of function (LOF) is a known mechanism of disease.;Patient's phenotype or family history is highly specific for a disease with a single genetic etiology.